The following is an entry in ClinVar:

NM_001267550.2(TTN):c.45014T>C (p.Leu15005Pro)

Genes: TTN (titin; minus strand), LOC126806427 (BRD4-independent group 4 enhancer GRCh37_chr2:179485777-179486976; plus strand). Cytogenetic location: 2q31.2.
Variant type: single nucleotide variant.
Coding change: c.45014T>C on transcript NM_001267550.2 (MANE Select); coding-DNA position 45014, T replaced by C.
Protein change: p.Leu15005Pro; replaces leucine 15005 with proline.
Molecular consequence: missense variant.
Genome position (GRCh38, 1-based): chr2:178,621,908, A>G on the plus strand (T>C on the coding strand, the complement: TTN is on the minus strand). VCF-style: chr2-178621908-A-G. GRCh37 (hg19) VCF-style: chr2-179486635-A-G.
Other names: c.40091T>C, p.Leu13364Pro (NM_001256850.1); c.17819T>C, p.Leu5940Pro (NM_003319.4); c.37310T>C, p.Leu12437Pro (NM_133378.4); c.18194T>C, p.Leu6065Pro (NM_133432.3); c.18395T>C, p.Leu6132Pro (NM_133437.4); short protein forms L15005P, L12437P, L13364P, L5940P, L6132P, L6065P.
Identifiers: ClinVar variation 283623 (VCV000283623.16), dbSNP rs369992659, ClinGen allele CA1995518.

ClinVar aggregate classification (germline): Conflicting classifications of pathogenicity. Review status: criteria provided, conflicting classifications (1 of 4 stars). 6 submissions from 6 submitters: Uncertain significance (5); Likely benign (1). Last evaluated 2026-05-19.

Conditions:
Cardiovascular phenotype. Identifiers: MedGen CN230736.
Dilated cardiomyopathy 1G (CMD1G). Identifiers: Orphanet 154, MedGen C1858763, MONDO:0011400, OMIM 604145.
Autosomal recessive limb-girdle muscular dystrophy type 2J (LGMDR10). Also called: Limb-girdle muscular dystrophy, type 2J; MUSCULAR DYSTROPHY, LIMB-GIRDLE, AUTOSOMAL RECESSIVE 10. Identifiers: Orphanet 140922, MedGen C1837342, MONDO:0012127, OMIM 608807.
TTN-related disorder. Also called: TTN-related condition; TTN-related disease; TTN-related disorders.

Allele frequency attached by ClinVar (database versions not stated): gnomAD exomes 0.00001 and 0.00002; ExAC 0.00003; ESP Exome Variant Server 0.00008; gnomAD 0.00013 and 0.00015; TOPMed 0.00014; 1000 Genomes Project 0.00020; 1000 Genomes Project 30x 0.00031.
gnomAD v4.1: 28 of 1,612,212 alleles (0.0017%); highest among the groups gnomAD compares: African/African-American, 0.032%; no homozygotes.

Submissions (6):

PreventionGenetics, part of Exact Sciences
Classification: Uncertain significance for TTN-related condition. Last evaluated: 2026-05-19. Review status: criteria provided, single submitter. Criteria: ACMG Guidelines, 2015. Collection method: clinical testing. Allele origin: germline.
Comment: The TTN c.45014T>C variant is predicted to result in the amino acid substitution p.Leu15005Pro. To our knowledge, this variant has not been reported in the literature. This variant is reported in 0.033% of alleles in individuals of African descent in gnomAD. At this time, the clinical significance of this variant is uncertain due to the absence of conclusive functional and genetic evidence.

Revvity Omics, Revvity
Classification: Uncertain significance. Last evaluated: 2022-06-13. Review status: criteria provided, single submitter. Criteria: ACMG Guidelines, 2015. Collection method: clinical testing. Allele origin: germline.

GeneDx
Classification: Likely benign. Last evaluated: 2020-05-26. Review status: criteria provided, single submitter. Criteria: GeneDx Variant Classification Process June 2021. Collection method: clinical testing. Allele origin: germline. Affected: yes.

Ambry Genetics
Classification: Uncertain significance for Cardiovascular phenotype. Last evaluated: 2020-01-06. Review status: criteria provided, single submitter. Criteria: Ambry Variant Classification Scheme 2023. Collection method: clinical testing. Allele origin: germline.
Comment: The p.L5940P variant (also known as c.17819T>C), located in coding exon 71 of the TTN gene, results from a T to C substitution at nucleotide position 17819. The leucine at codon 5940 is replaced by proline, an amino acid with similar properties. This amino acid position is not well conserved in available vertebrate species. In addition, this alteration is predicted to be tolerated by in silico analysis. Since supporting evidence is limited at this time, the clinical significance of this alteration remains unclear.

Labcorp Genetics (formerly Invitae), Labcorp
Classification: Uncertain significance for Dilated cardiomyopathy 1G; Autosomal recessive limb-girdle muscular dystrophy type 2J. Last evaluated: 2017-12-26. Review status: criteria provided, single submitter. Criteria: Invitae Variant Classification Sherloc (09022015). Collection method: clinical testing. Allele origin: germline.

Eurofins Ntd Llc (ga)
Classification: Uncertain significance. Last evaluated: 2015-10-08. Review status: criteria provided, single submitter. Criteria: EGL Classification Definitions 2015. Collection method: clinical testing. Allele origin: germline. Observed: 1 variant allele, 1 heterozygote.